The following is an entry in ClinVar:

NM_001134407.3(GRIN2A):c.3026G>A (p.Arg1009Lys)

Gene: GRIN2A (glutamate ionotropic receptor NMDA type subunit 2A; minus strand). Cytogenetic location: 16p13.2.
Variant type: single nucleotide variant.
Coding change: c.3026G>A on transcript NM_001134407.3 (MANE Select); coding-DNA position 3026, G replaced by A.
Protein change: p.Arg1009Lys; replaces arginine 1009 with lysine.
Molecular consequence: missense variant.
Genome position (GRCh38, 1-based): chr16:9,764,518, C>T on the plus strand (G>A on the coding strand, the complement: GRIN2A is on the minus strand). VCF-style: chr16-9764518-C-T. GRCh37 (hg19) VCF-style: chr16-9858375-C-T.
Other names: c.3026G>A, p.Arg1009Lys (NM_000833.5, NM_001134408.2); short protein forms R1009K.
Identifiers: ClinVar variation 1044597 (VCV001044597.10), dbSNP rs1900786503, ClinGen allele CA394708825.

ClinVar aggregate classification (germline): Uncertain significance. Review status: criteria provided, multiple submitters, no conflicts (2 of 4 stars). 2 submissions from 2 submitters: Uncertain significance (2). Last evaluated 2023-12-13.

Conditions:
Landau-Kleffner syndrome (FESD). Also called: APHASIA, ACQUIRED, WITH EPILEPSY; EPILEPSY, FOCAL, WITH SPEECH DISORDER AND WITH OR WITHOUT MENTAL RETARDATION. Identifiers: Orphanet 1945, Orphanet 725, Orphanet 98818, MedGen C0282512, MONDO:0009509, OMIM 245570.

Allele frequency attached by ClinVar (database versions not stated): gnomAD exomes 0.00001.
gnomAD v4.1: 16 of 1,614,024 alleles (0.00099%); highest among the groups gnomAD compares: Non-Finnish European, 0.0014%; no homozygotes.

Submissions (2):

Labcorp Genetics (formerly Invitae), Labcorp
Classification: Uncertain significance for Landau-Kleffner syndrome. Last evaluated: 2023-12-13. Review status: criteria provided, single submitter. Criteria: Invitae Variant Classification Sherloc (09022015). Collection method: clinical testing. Allele origin: germline.
Comment: This sequence change replaces arginine, which is basic and polar, with lysine, which is basic and polar, at codon 1009 of the GRIN2A protein (p.Arg1009Lys). This variant is not present in population databases (gnomAD no frequency). This variant has not been reported in the literature in individuals affected with GRIN2A-related conditions. ClinVar contains an entry for this variant (Variation ID: 1044597). Advanced modeling of protein sequence and biophysical properties (such as structural, functional, and spatial information, amino acid conservation, physicochemical variation, residue mobility, and thermodynamic stability) performed at Invitae indicates that this missense variant is not expected to disrupt GRIN2A protein function with a negative predictive value of 95%. In summary, the available evidence is currently insufficient to determine the role of this variant in disease. Therefore, it has been classified as a Variant of Uncertain Significance.

Fulgent Genetics
Classification: Uncertain significance for Landau-Kleffner syndrome. Last evaluated: 2022-02-18. Review status: criteria provided, single submitter. Criteria: ACMG Guidelines, 2015. Collection method: clinical testing. Allele origin: unknown.